The following is an entry in ClinVar:

NM_004360.5(CDH1):c.2519C>T (p.Ser840Phe)

Gene: CDH1 (cadherin 1; plus strand). Cytogenetic location: 16q22.1.
Variant type: single nucleotide variant.
Coding change: c.2519C>T on transcript NM_004360.5 (MANE Select); coding-DNA position 2519, C replaced by T.
Protein change: p.Ser840Phe; replaces serine 840 with phenylalanine.
Molecular consequence: missense variant.
Genome position (GRCh38, 1-based): chr16:68,833,369, C>T. VCF-style: chr16-68833369-C-T. GRCh37 (hg19) VCF-style: chr16-68867272-C-T.
Other names: c.2336C>T, p.Ser779Phe (NM_001317184.2); c.971C>T, p.Ser324Phe (NM_001317185.2); c.554C>T, p.Ser185Phe (NM_001317186.2); c.2519C>T (LRG_301t1); short protein forms S840F, S185F, S324F, S779F.
Identifiers: ClinVar variation 140820 (VCV000140820.6), dbSNP rs587781300, ClinGen allele CA163646.
Genomic context (GRCh38, chr16:68,833,369, plus strand): 5'-CTGACCCCACAGCCCCGCCTTATGATTCTCTGCTCGTGTTTGACTATGAAGGAAGCGGTT[C>T]CGAAGCTGCTAGTCTGAGCTCCCTGAACTCCTCAGAGTCAGACAAAGACCAGGACTATGA-3'
Protein context (NP_004351.1, residues 830-850): LLVFDYEGSG[Ser840Phe]EAASLSSLNS

ClinVar aggregate classification (germline): Uncertain significance. Review status: criteria provided, multiple submitters, no conflicts (2 of 4 stars). 2 submissions from 2 submitters: Uncertain significance (2). Last evaluated 2023-11-13.

Conditions:
Hereditary cancer-predisposing syndrome. Also called: Neoplastic Syndromes, Hereditary; Tumor predisposition; Hereditary Cancer Syndrome; Hereditary neoplastic syndrome. Identifiers: Orphanet 140162, MedGen C0027672, MeSH D009386, MONDO:0015356.
Familial cancer of breast. Also called: BREAST CANCER, FAMILIAL; Hereditary breast cancer; hereditary breast carcinoma. Identifiers: Orphanet 227535, MedGen C0346153, MONDO:0016419, OMIM 114480. Disease mechanism: loss of function.

Submissions (2):

Ambry Genetics
Classification: Uncertain significance for Hereditary cancer-predisposing syndrome. Last evaluated: 2023-11-13. Review status: criteria provided, single submitter. Criteria: Ambry Variant Classification Scheme 2023. Collection method: clinical testing. Allele origin: germline.
Comment: The p.S840F variant (also known as c.2519C>T), located in coding exon 16 of the CDH1 gene, results from a C to T substitution at nucleotide position 2519. The serine at codon 840 is replaced by phenylalanine, an amino acid with highly dissimilar properties. This amino acid position is highly conserved in available vertebrate species. In addition, this alteration is predicted to be deleterious by in silico analysis. Since supporting evidence is limited at this time, the clinical significance of this alteration remains unclear.

Baylor Genetics
Classification: Uncertain significance for Familial cancer of breast. Last evaluated: 2023-05-02. Review status: criteria provided, single submitter. Criteria: ACMG Guidelines, 2015. Collection method: clinical testing. Allele origin: unknown.